The following is an entry in ClinVar:

NM_004444.5(EPHB4):c.2296G>A (p.Glu766Lys)

Gene: EPHB4 (EPH receptor B4; minus strand). Cytogenetic location: 7q22.1.
Variant type: single nucleotide variant.
Coding change: c.2296G>A on transcript NM_004444.5 (MANE Select); coding-DNA position 2296, G replaced by A.
Protein change: p.Glu766Lys; replaces glutamic acid 766 with lysine.
Molecular consequence: missense variant.
Genome position (GRCh38, 1-based): chr7:100,807,403, C>T on the plus strand (G>A on the coding strand, the complement: EPHB4 is on the minus strand). VCF-style: chr7-100807403-C-T. GRCh37 (hg19) VCF-style: chr7-100405025-C-T.
Other names: short protein forms E766K.
Identifiers: ClinVar variation 3224277 (VCV003224277.1), dbSNP rs2485003390, ClinGen allele CA368568214.

ClinVar aggregate classification (germline): Uncertain significance (1 of 4 stars; one submission).

Conditions:
Cardiovascular phenotype. Identifiers: MedGen CN230736.

Allele frequency attached by ClinVar (database versions not stated): gnomAD exomes below 0.00001.
gnomAD v4.1: 1 of 1,613,876 alleles (0.000062%); highest among the groups gnomAD compares: Non-Finnish European, 0.000085%; no homozygotes.

Submission:

Ambry Genetics
Classification: Uncertain significance for Cardiovascular phenotype. Last evaluated: 2024-02-22. Review status: criteria provided, single submitter. Criteria: Ambry Variant Classification Scheme 2023. Collection method: clinical testing. Allele origin: germline.
Comment: The p.E766K variant (also known as c.2296G>A), located in coding exon 13 of the EPHB4 gene, results from a G to A substitution at nucleotide position 2296. The glutamic acid at codon 766 is replaced by lysine, an amino acid with similar properties. This amino acid position is conserved. In addition, the in silico prediction for this alteration is inconclusive. Based on the available evidence, the clinical significance of this alteration remains unclear.